The following is an entry in ClinVar:

ClinVar aggregate classification (germline): Uncertain significance (1 of 4 stars; one submission).

Submission:

Labcorp Genetics (formerly Invitae), Labcorp
Classification: Uncertain significance. Last evaluated: 2023-09-22. Review status: criteria provided, single submitter. Criteria: Invitae Variant Classification Sherloc (09022015). Collection method: clinical testing. Allele origin: germline.
Comment: This sequence change replaces glycine, which is neutral and non-polar, with cysteine, which is neutral and slightly polar, at codon 102 of the PDE6B protein (p.Gly102Cys). This variant is not present in population databases (gnomAD no frequency). This variant has not been reported in the literature in individuals affected with PDE6B-related conditions. Advanced modeling of protein sequence and biophysical properties (such as structural, functional, and spatial information, amino acid conservation, physicochemical variation, residue mobility, and thermodynamic stability) performed at Invitae indicates that this missense variant is expected to disrupt PDE6B protein function. In summary, the available evidence is currently insufficient to determine the role of this variant in disease. Therefore, it has been classified as a Variant of Uncertain Significance.

NM_000283.4(PDE6B):c.304G>T (p.Gly102Cys)

Gene: PDE6B (phosphodiesterase 6B; plus strand). Cytogenetic location: 4p16.3.
Variant type: single nucleotide variant.
Coding change: c.304G>T on transcript NM_000283.4 (MANE Select); coding-DNA position 304, G replaced by T.
Protein change: p.Gly102Cys; replaces glycine 102 with cysteine.
Molecular consequence: missense variant.
Genome position (GRCh38, 1-based): chr4:625,930, G>T. VCF-style: chr4-625930-G-T. GRCh37 (hg19) VCF-style: chr4-619719-G-T.
Other names: c.304G>T, p.Gly102Cys (NM_001145291.2); short protein forms G102C.
Identifiers: ClinVar variation 2753466 (VCV002753466.3), dbSNP rs750237172, ClinGen allele CA355906752.